The following is an entry in ClinVar:

ClinVar aggregate classification (germline): Likely benign. Review status: criteria provided, single submitter (1 of 4 stars). 2 submissions from 2 submitters: Likely benign (1). 1 of the submissions does not count toward it. Last evaluated 2026-01-14.

Conditions:
PCNT-related disorder. Also called: PCNT-related condition.

gnomAD v4.1: 2 of 1,573,268 alleles (0.00013%); highest among the groups gnomAD compares: Admixed American, 0.0038%; no homozygotes.

Submissions (2):

Labcorp Genetics (formerly Invitae), Labcorp
Classification: Likely benign. Last evaluated: 2026-01-14. Review status: criteria provided, single submitter. Criteria: Invitae Variant Classification Sherloc (09022015). Collection method: clinical testing. Allele origin: germline.

PreventionGenetics, part of Exact Sciences
Classification: Likely benign for PCNT-related condition. Last evaluated: 2022-05-24. Review status: no assertion criteria provided. Collection method: clinical testing. Allele origin: germline. Not counted in ClinVar's aggregate classification.
Comment: This variant is classified as likely benign based on ACMG/AMP sequence variant interpretation guidelines (Richards et al. 2015 PMID: 25741868, with internal and published modifications).

NM_006031.6(PCNT):c.4140G>C (p.Ala1380=)

Gene: PCNT (pericentrin; plus strand). Cytogenetic location: 21q22.3.
Variant type: single nucleotide variant.
Coding change: c.4140G>C on transcript NM_006031.6 (MANE Select); coding-DNA position 4140, G replaced by C.
Protein change: p.Ala1380=; no amino-acid change (alanine 1380 retained).
Molecular consequence: synonymous variant.
Genome position (GRCh38, 1-based): chr21:46,391,300, G>C. VCF-style: chr21-46391300-G-C. GRCh37 (hg19) VCF-style: chr21-47811215-G-C.
Other names: c.3786G>C, p.Ala1262= (NM_001315529.2).
Identifiers: ClinVar variation 3356889 (VCV003356889.2).